The following is an entry in ClinVar:

NC_000005.9:g.(?_90119222)_(90151738_?)del

Gene: ADGRV1 (adhesion G protein-coupled receptor V1; plus strand). Cytogenetic location: 5q14.3.
Variant type: Deletion.
Identifiers: ClinVar variation 1459086 (VCV001459086.5).

ClinVar aggregate classification (germline): Pathogenic (1 of 4 stars; one submission).

Submission:

Labcorp Genetics (formerly Invitae), Labcorp
Classification: Pathogenic. Last evaluated: 2022-04-23. Review status: criteria provided, single submitter. Criteria: Invitae Variant Classification Sherloc (09022015). Collection method: clinical testing. Allele origin: germline.
Comment: For these reasons, this variant has been classified as Pathogenic. This variant has not been reported in the literature in individuals affected with ADGRV1-related conditions. This variant is a gross deletion of the genomic region encompassing exon(s) 76-82 of the ADGRV1 gene. This deletion is out-of-frame, and is expected to create a premature termination codon and result in an absent or disrupted protein product. Loss-of-function variants in ADGRV1 are known to be pathogenic (PMID: 19357117, 22135276, 22147658, 26226137, 26667666, 30029497, 32467589).

Literature cited by the submitters: PubMed 19357117; PubMed 22135276; PubMed 22147658; PubMed 26226137; PubMed 26667666; PubMed 30029497; PubMed 32467589.